The following is an entry in ClinVar:

ClinVar aggregate classification (germline): Conflicting classifications of pathogenicity. Review status: criteria provided, conflicting classifications (1 of 4 stars). 3 submissions from 3 submitters: Uncertain significance (2); Likely benign (1). Last evaluated 2023-03-23.

Conditions:
Hereditary cancer-predisposing syndrome. Also called: Neoplastic Syndromes, Hereditary; Tumor predisposition; Hereditary Cancer Syndrome; Hereditary neoplastic syndrome. Identifiers: Orphanet 140162, MedGen C0027672, MeSH D009386, MONDO:0015356.

Submissions (3):

University of Washington Department of Laboratory Medicine, University of Washington
Classification: Likely benign for Hereditary cancer-predisposing syndrome. Last evaluated: 2023-03-23. Review status: criteria provided, single submitter. Criteria: Dines et al. (Genet Med. 2020). Collection method: curation. Allele origin: germline.
Comment: Missense variant in a coldspot region where missense variants are very unlikely to be pathogenic (PMID:31911673).

BRCA2 exon 11 coldspot. Reclassification based on statistical prior probability.

ARUP Laboratories, Molecular Genetics and Genomics, ARUP Laboratories
Classification: Uncertain significance. Last evaluated: 2023-03-10. Review status: criteria provided, single submitter. Criteria: ARUP Molecular Germline Variant Investigation Process 2024. Collection method: clinical testing. Allele origin: germline.
Comment: The BRCA2 c.3710C>T; p.Ala1237Val variant, to our knowledge, is not reported in the medical literature but is reported in ClinVar (Variation ID: 1734198). This variant is absent from the Genome Aggregation Database, indicating it is not a common polymorphism. Computational analyses are uncertain whether this variant is neutral or deleterious (REVEL: 0.589). Due to limited information, the clinical significance of this variant is uncertain at this time.

Ambry Genetics
Classification: Uncertain significance for Hereditary cancer-predisposing syndrome. Last evaluated: 2022-07-24. Review status: criteria provided, single submitter. Criteria: Ambry Variant Classification Scheme 2023. Collection method: clinical testing. Allele origin: germline.
Comment: The p.A1237V variant (also known as c.3710C>T), located in coding exon 10 of the BRCA2 gene, results from a C to T substitution at nucleotide position 3710. The alanine at codon 1237 is replaced by valine, an amino acid with similar properties. This amino acid position is well conserved in available vertebrate species. In addition, the in silico prediction for this alteration is inconclusive. Since supporting evidence is limited at this time, the clinical significance of this alteration remains unclear.

NM_000059.4(BRCA2):c.3710C>T (p.Ala1237Val)

Gene: BRCA2 (BRCA2 DNA repair associated; plus strand). Cytogenetic location: 13q13.1.
Variant type: single nucleotide variant.
Coding change: c.3710C>T on transcript NM_000059.4 (MANE Select); coding-DNA position 3710, C replaced by T.
Protein change: p.Ala1237Val; replaces alanine 1237 with valine.
Molecular consequence: missense variant.
Genome position (GRCh38, 1-based): chr13:32,338,065, C>T. VCF-style: chr13-32338065-C-T. GRCh37 (hg19) VCF-style: chr13-32912202-C-T.
Other names: c.3710C>T, p.Ala1237Val (NM_001406719.1, NM_001406720.1); short protein forms A1237V.
Identifiers: ClinVar variation 1734198 (VCV001734198.5), dbSNP rs2137499224, ClinGen allele CA387778068.
Genomic context (GRCh38, chr13:32,338,065, plus strand): 5'-GGGGCTTTTATTCTGCTCATGGCACAAAACTGAATGTTTCTACTGAAGCTCTGCAAAAAG[C>T]TGTGAAACTGTTTAGTGATATTGAGAATATTAGTGAGGAAACTTCTGCAGAGGTACATCC-3'
Protein context (NP_000050.3, residues 1227-1247): LNVSTEALQK[Ala1237Val]VKLFSDIENI